The following is an entry in ClinVar:

ClinVar aggregate classification (germline): Pathogenic (1 of 4 stars; one submission).

Conditions:
Zellweger spectrum disorders (ZS). Also called: Zellweger Spectrum Disorder; Zellweger Spectrum; Zellweger Spectrum Disorder (ZSD); Zellweger syndrome. Identifiers: Orphanet 912, MedGen C0043459, MONDO:0019609.

Submission:

Labcorp Genetics (formerly Invitae), Labcorp
Classification: Pathogenic for Zellweger spectrum disorders. Last evaluated: 2024-01-02. Review status: criteria provided, single submitter. Criteria: Invitae Variant Classification Sherloc (09022015). Collection method: clinical testing. Allele origin: unknown.
Comment: This variant is a gross deletion of the genomic region encompassing exon(s) 24 of the PEX1 gene, which includes the termination codon. This deletion extends beyond the assayed region for this gene and therefore may encompass additional genes. While this deletion is not anticipated to lead to nonsense mediated decay, it is expected to alter mRNA translation or result in a truncated protein product. A similar copy number variant has been observed in individual(s) with clinical features of Zellweger syndrome (Invitae). In at least one individual the data is consistent with being in trans (on the opposite chromosome) from a pathogenic variant. For these reasons, this variant has been classified as Pathogenic.

NC_000007.13:g.(?_92116771)_(92116875_?)del

Gene: PEX1 (peroxisomal biogenesis factor 1; minus strand). Cytogenetic location: 7q21.2.
Variant type: Deletion.
Identifiers: ClinVar variation 3245707 (VCV003245707.1).